The following is an entry in ClinVar:

ClinVar aggregate classification (germline): Conflicting classifications of pathogenicity. Review status: criteria provided, conflicting classifications (1 of 4 stars). 2 submissions from 2 submitters: Uncertain significance (1); Benign (1). Last evaluated 2025-06-11.

Conditions:
Cardiovascular phenotype. Identifiers: MedGen CN230736.

Allele frequency attached by ClinVar (database versions not stated): gnomAD 0.00004 and 0.00005; ExAC 0.00005; gnomAD exomes 0.00008; TOPMed 0.00009.
gnomAD v4.1: 96 of 1,549,936 alleles (0.0062%); highest among the groups gnomAD compares: East Asian, 0.17%; no homozygotes.

Submissions (2):

Ambry Genetics
Classification: Benign for Cardiovascular phenotype. Last evaluated: 2025-06-11. Review status: criteria provided, single submitter. Criteria: Ambry Variant Classification Scheme 2023. Collection method: clinical testing. Allele origin: germline.

GeneDx
Classification: Uncertain significance. Last evaluated: 2021-01-08. Review status: criteria provided, single submitter. Criteria: GeneDx Variant Classification Process June 2021. Collection method: clinical testing. Allele origin: germline. Affected: yes.
Comment: In silico analysis supports that this missense variant does not alter protein structure/function; Has not been previously published as pathogenic or benign to our knowledge

NM_001367624.2(ZNF469):c.11546G>A (p.Arg3849Gln)

Gene: ZNF469 (zinc finger protein 469; plus strand). Cytogenetic location: 16q24.2.
Variant type: single nucleotide variant.
Coding change: c.11546G>A on transcript NM_001367624.2 (MANE Select); coding-DNA position 11546, G replaced by A.
Protein change: p.Arg3849Gln; replaces arginine 3849 with glutamine.
Molecular consequence: missense variant.
Genome position (GRCh38, 1-based): chr16:88,439,016, G>A. VCF-style: chr16-88439016-G-A. GRCh37 (hg19) VCF-style: chr16-88505424-G-A.
Other names: short protein forms R3849Q.
Identifiers: ClinVar variation 321028 (VCV000321028.9), dbSNP rs775672255, ClinGen allele CA8225620.